The following is an entry in ClinVar:

ClinVar aggregate classification (germline): Uncertain significance (1 of 4 stars; one submission).

Conditions:
Pitt-Hopkins-like syndrome 2 (PTHSL2). Identifiers: Orphanet 221150, Orphanet 600663, MedGen C3280479, MONDO:0013690, OMIM 614325.

Submission:

Labcorp Genetics (formerly Invitae), Labcorp
Classification: Uncertain significance for Pitt-Hopkins-like syndrome 2. Last evaluated: 2020-09-09. Review status: criteria provided, single submitter. Criteria: Invitae Variant Classification Sherloc (09022015). Collection method: clinical testing. Allele origin: germline.
Comment: This variant has not been reported in the literature in individuals with NRXN1-related conditions. This variant is not present in population databases (ExAC no frequency). This sequence change replaces arginine with glycine at codon 124 of the NRXN1 protein (p.Arg124Gly). The arginine residue is highly conserved and there is a moderate physicochemical difference between arginine and glycine. Algorithms developed to predict the effect of missense changes on protein structure and function are either unavailable or do not agree on the potential impact of this missense change (SIFT: "Deleterious"; PolyPhen-2: "Benign"; Align-GVGD: "Class C0"). In summary, the available evidence is currently insufficient to determine the role of this variant in disease. Therefore, it has been classified as a Variant of Uncertain Significance.

NM_001330078.2(NRXN1):c.370C>G (p.Arg124Gly)

Gene: NRXN1 (neurexin 1; minus strand). Cytogenetic location: 2p16.3.
Variant type: single nucleotide variant.
Coding change: c.370C>G on transcript NM_001330078.2 (MANE Select); coding-DNA position 370, C replaced by G.
Protein change: p.Arg124Gly; replaces arginine 124 with glycine.
Molecular consequence: missense variant.
Genome position (GRCh38, 1-based): chr2:51,027,904, G>C on the plus strand (C>G on the coding strand, the complement: NRXN1 is on the minus strand). VCF-style: chr2-51027904-G-C. GRCh37 (hg19) VCF-style: chr2-51255042-G-C.
Other names: c.370C>G, p.Arg124Gly (NM_001135659.3, NM_001330077.2, NM_001330079.2 and 15 more transcripts); short protein forms R124G.
Identifiers: ClinVar variation 1017944 (VCV001017944.8), dbSNP rs202244228, ClinGen allele CA346824146.